The following is an entry in ClinVar:

ClinVar aggregate classification (germline): Uncertain significance. Review status: criteria provided, multiple submitters, no conflicts (2 of 4 stars). 2 submissions from 2 submitters: Uncertain significance (2). Last evaluated 2022-04-05.

Conditions:
Sclerosteosis 2 (SOST2). Identifiers: Orphanet 3152, MedGen C3280402, MONDO:0013679, OMIM 614305.
Cenani-Lenz syndactyly syndrome. Also called: CENANI SYNDACTYLISM; SYNDACTYLY, TYPE VII. Identifiers: Orphanet 3258, MedGen C1859309, MONDO:0008931, OMIM 212780.
Congenital myasthenic syndrome 17. Identifiers: Orphanet 590, MedGen C4225377, MONDO:0014578, OMIM 616304.

Submissions (2):

Fulgent Genetics
Classification: Uncertain significance for Cenani-Lenz syndactyly syndrome; Sclerosteosis 2; Congenital myasthenic syndrome 17. Last evaluated: 2022-04-05. Review status: criteria provided, single submitter. Criteria: ACMG Guidelines, 2015. Collection method: clinical testing. Allele origin: unknown.

Labcorp Genetics (formerly Invitae), Labcorp
Classification: Uncertain significance for Cenani-Lenz syndactyly syndrome; Sclerosteosis 2; Congenital myasthenic syndrome 17. Last evaluated: 2021-07-26. Review status: criteria provided, single submitter. Criteria: Invitae Variant Classification Sherloc (09022015). Collection method: clinical testing. Allele origin: germline.
Comment: In summary, the available evidence is currently insufficient to determine the role of this variant in disease. Therefore, it has been classified as a Variant of Uncertain Significance. Algorithms developed to predict the effect of missense changes on protein structure and function are either unavailable or do not agree on the potential impact of this missense change (SIFT: "Deleterious"; PolyPhen-2: "Benign"; Align-GVGD: "Class C65"). This variant has not been reported in the literature in individuals affected with LRP4-related conditions. This variant is not present in population databases (ExAC no frequency). This sequence change replaces asparagine with lysine at codon 1589 of the LRP4 protein (p.Asn1589Lys). The asparagine residue is highly conserved and there is a moderate physicochemical difference between asparagine and lysine.

NM_002334.4(LRP4):c.4767C>G (p.Asn1589Lys)

Genes: LRP4 (LDL receptor related protein 4; minus strand), LRP4-AS1 (LRP4 antisense RNA 1; plus strand). Cytogenetic location: 11p11.2.
Variant type: single nucleotide variant.
Coding change: c.4767C>G on transcript NM_002334.4 (MANE Select); coding-DNA position 4767, C replaced by G.
Protein change: p.Asn1589Lys; replaces asparagine 1589 with lysine.
Molecular consequence: missense variant.
Genome position (GRCh38, 1-based): chr11:46,869,058, G>C on the plus strand (C>G on the coding strand, the complement: LRP4 is on the minus strand). VCF-style: chr11-46869058-G-C. GRCh37 (hg19) VCF-style: chr11-46890609-G-C.
Other names: short protein forms N1589K.
Identifiers: ClinVar variation 1417561 (VCV001417561.9), dbSNP rs1346806071, ClinGen allele CA380264113.
Genomic context (GRCh38, chr11:46,869,058, plus strand): 5'-CTGAGGGGAAACCACGATGATATCCATGAGTCCTTCCACATTTGCCAGCACTGTCTCCTT[G>C]TTCCGGCCTGAGTATTTGTCAACACGCTGGATTGACTTGGTCTGCCAGTCTGTCCAGTAG-3'
Protein context (NP_002325.2, residues 1579-1599): IQRVDKYSGR[Asn1589Lys]KETVLANVEG